The following is an entry in ClinVar:

NM_017763.6(RNF43):c.1578G>A (p.Val526=)

Gene: RNF43 (ring finger protein 43; minus strand). Cytogenetic location: 17q22.
Variant type: single nucleotide variant.
Coding change: c.1578G>A on transcript NM_017763.6 (MANE Select); coding-DNA position 1578, G replaced by A.
Protein change: p.Val526=; no amino-acid change (valine 526 retained).
Molecular consequence: synonymous variant.
Genome position (GRCh38, 1-based): chr17:58,358,198, C>T on the plus strand (G>A on the coding strand, the complement: RNF43 is on the minus strand). VCF-style: chr17-58358198-C-T. GRCh37 (hg19) VCF-style: chr17-56435559-C-T.
Other names: c.1578G>A, p.Val526= (NM_001305544.3, NM_001438820.1, NM_001438821.1 and 1 more transcripts); c.1197G>A, p.Val399= (NM_001305545.2, NM_001437987.1).
Identifiers: ClinVar variation 5042453 (VCV005042453.1).
Genomic context (GRCh38, chr17:58,358,198, plus strand): 5'-GCTGGAAACCTGGGTTTCCCCTGTGGGCACCACCGAGTCCAAGGAACGAGGCCGAGAGGT[C>T]ACACTAGGCTGCATGTCCACTCGCTGGGGATCCCCTTTAGGGCTGCAGTACACTAGGGGG-3'
Protein context (NP_060233.3, residues 516-536): DPQRVDMQPS[Val526=]TSRPRSLDSV

ClinVar aggregate classification (germline): Benign (1 of 4 stars; one submission).

Conditions:
Sessile serrated polyposis cancer syndrome (SSPCS). Identifiers: Orphanet 157798, MedGen C4310714, MONDO:0014919, OMIM 617108.

Submission:

Myriad Genetics, Inc.
Classification: Benign for Sessile serrated polyposis cancer syndrome. Last evaluated: 2026-07-02. Review status: criteria provided, single submitter. Criteria: Myriad Autosomal Dominant, Autosomal Recessive and X-Linked Classification Criteria (2023). Collection method: clinical testing. Allele origin: unknown.
Comment: This variant is considered benign. This variant is a silent/synonymous amino acid change and it is not expected to impact splicing.